The following is an entry in ClinVar:

ClinVar aggregate classification (germline): Uncertain significance. Review status: criteria provided, multiple submitters, no conflicts (2 of 4 stars). 2 submissions from 2 submitters: Uncertain significance (2). Last evaluated 2023-03-24.

Conditions:
GNE myopathy (NM). Also called: IBM 2; Inclusion body myopathy autosomal recessive; Inclusion body myopathy quadriceps sparing; NONAKA DISTAL MYOPATHY; INCLUSION BODY MYOPATHY, HEREDITARY, AUTOSOMAL RECESSIVE; INCLUSION BODY MYOPATHY 2, AUTOSOMAL RECESSIVE. Identifiers: Orphanet 602, MedGen C1853926, MONDO:0011603, OMIM 605820.
Sialuria. Also called: Sialic Acid Storage Disease; SIALURIA, FRENCH TYPE. Identifiers: Orphanet 3166, MedGen C0342853, MONDO:0010028, OMIM 269921.

Submissions (2):

Labcorp Genetics (formerly Invitae), Labcorp
Classification: Uncertain significance for Sialuria; GNE myopathy. Last evaluated: 2023-03-24. Review status: criteria provided, single submitter. Criteria: Invitae Variant Classification Sherloc (09022015). Collection method: clinical testing. Allele origin: germline.
Comment: Advanced modeling of protein sequence and biophysical properties (such as structural, functional, and spatial information, amino acid conservation, physicochemical variation, residue mobility, and thermodynamic stability) has been performed at Invitae for this missense variant, however the output from this modeling did not meet the statistical confidence thresholds required to predict the impact of this variant on GNE protein function. In summary, the available evidence is currently insufficient to determine the role of this variant in disease. Therefore, it has been classified as a Variant of Uncertain Significance. ClinVar contains an entry for this variant (Variation ID: 812702). This variant has not been reported in the literature in individuals affected with GNE-related conditions. This sequence change replaces histidine, which is basic and polar, with asparagine, which is neutral and polar, at codon 188 of the GNE protein (p.His188Asn). This variant is not present in population databases (gnomAD no frequency).

Diagnostics Services (NGS), CSIR - Centre For Cellular And Molecular Biology
Classification: Uncertain significance for GNE myopathy. Last evaluated: 2020-02-04. Review status: criteria provided, single submitter. Criteria: ACMG Guidelines, 2015. Collection method: clinical testing. Allele origin: unknown. Inheritance: Autosomal recessive inheritance. Affected: yes. Observed: 1 heterozygote.
Comment: The c.469C>A variant is not present in publicly available databases like 1000 Genomes, EVS, ExAC, gnomAD and dbSNP. The variant is also not present in our in-house exome database. The variant was not reported earlier to OMIM, ClinVar or HGMD databases. In-silico pathogenicity prediction programs SIFT, Polyphen2, MutationTaster2, CADD etc. predicted this variant as likely deleterious. However no functional studies were performed to check for the effect of the variant on mRNA and protein. The variant was observed in compound heterozygous state with an another pathogenic variant c.2086G>A (ClinVar Accession ID: VCV000006028.6). Due to lack of enough evidence the variant has been classified as uncertain significance.

NM_005476.7(GNE):c.469C>A (p.His157Asn)

Gene: GNE (glucosamine (UDP-N-acetyl)-2-epimerase/N-acetylmannosamine kinase; minus strand). Cytogenetic location: 9p13.3.
Variant type: single nucleotide variant.
Coding change: c.469C>A on transcript NM_005476.7 (MANE Select); coding-DNA position 469, C replaced by A.
Protein change: p.His157Asn; replaces histidine 157 with asparagine.
Molecular consequence: missense variant.
Genome position (GRCh38, 1-based): chr9:36,246,178, G>T on the plus strand (C>A on the coding strand, the complement: GNE is on the minus strand). VCF-style: chr9-36246178-G-T. GRCh37 (hg19) VCF-style: chr9-36246175-G-T.
Other names: c.562C>A, p.His188Asn (NM_001128227.3); c.469C>A, p.His157Asn (NM_001190383.3, NM_001374797.1); c.292C>A, p.His98Asn (NM_001190384.3, NM_001190388.2, NM_001374798.1); short protein forms H157N, H98N, H188N.
Identifiers: ClinVar variation 812702 (VCV000812702.9), dbSNP rs1587339749, ClinGen allele CA373418552.